The following is an entry in ClinVar:

NM_000091.5(COL4A3):c.3968_3970delinsTT (p.Asn1323fs)

Genes: COL4A3 (collagen type IV alpha 3 chain; plus strand), MFF-DT (MFF divergent transcript; minus strand). Cytogenetic location: 2q36.3.
Variant type: Indel.
Coding change: c.3968_3970delinsTT on transcript NM_000091.5 (MANE Select); coding-DNA positions 3968 to 3970, ATC replaced by TT.
Protein change: p.Asn1323fs; shifts the reading frame from asparagine 1323.
Molecular consequence: frameshift variant.
Genome position (GRCh38, 1-based): chr2:227,303,871-227,303,873, ATC replaced by TT. VCF-style: chr2-227303871-ATC-TT. GRCh37 (hg19) VCF-style: chr2-228168587-ATC-TT.
Other names: short protein forms N1323fs.
Identifiers: ClinVar variation 1725533 (VCV001725533.2), dbSNP rs2469908814, ClinGen allele CA2580066011.

ClinVar aggregate classification (germline): Likely pathogenic (1 of 4 stars; one submission).

Conditions:
Autosomal recessive Alport syndrome (ATS2). Also called: COL4A3-Related Nephropathy; COL4A4 Alport Syndrome and Thin Basement Membrane Nephropathy; ALPORT SYNDROME 2, AUTOSOMAL RECESSIVE; Alport syndrome type 2. Identifiers: Orphanet 63, Orphanet 88919, MedGen C4746745, MONDO:0008762, OMIM 203780.

Submission:

Myriad Genetics, Inc.
Classification: Likely pathogenic for Autosomal recessive Alport syndrome. Last evaluated: 2022-03-30. Review status: criteria provided, single submitter. Criteria: Myriad Women's Health Autosomal Recessive and X-Linked Classification Criteria (2021). Collection method: clinical testing. Allele origin: unknown.
Comment: NM_000091.4(COL4A3):c.3968_3970delATCinsTT(N1323Ifs*5) is expected to be pathogenic in the context of COL4A3-related Alport syndrome. This variant is predicted to lead to an abnormal or absent protein product due to the creation of a premature termination codon in COL4A3, a gene where loss-of-function variants are known to be pathogenic. Please note: this variant was assessed in the context of healthy population screening.